The following is an entry in ClinVar:

ClinVar aggregate classification (germline): Benign (1 of 4 stars; one submission).

Allele frequency attached by ClinVar (database versions not stated): gnomAD exomes 0.70242; gnomAD 0.72701.

Submission:

Unidad de Genómica Garrahan, Hospital de Pediatría Garrahan
Classification: Benign. Last evaluated: 2023-11-12. Review status: criteria provided, single submitter. Criteria: ACMG Guidelines, 2015. Collection method: clinical testing. Allele origin: germline. Affected: no. Observed: 19 variant alleles.
Comment: This variant is classified as Benign based on local population frequency. This variant was detected in 20% of patients studied by a panel of primary immunodeficiencies. Number of patients: 19. Only high quality variants are reported.

NM_002788.4(PSMA3):c.404+101_404+102insTT

Gene: PSMA3 (proteasome 20S subunit alpha 3; plus strand). Cytogenetic location: 14q23.1.
Variant type: Insertion.
Coding change: c.404+101_404+102insTT on transcript NM_002788.4 (MANE Select); bases 101 to 102 of the intron after coding-DNA position 404, TT inserted.
Molecular consequence: intron variant.
Genome position: GRCh38 VCF-style: chr14-58258099-C-CTT. GRCh37 (hg19) VCF-style: chr14-58724817-C-CTT.
Other names: c.404+101_404+102insTT (NM_152132.3).
Identifiers: ClinVar variation 2628303 (VCV002628303.2), dbSNP rs35486640, ClinGen allele CA261600353.
Genomic context (GRCh38, chr14:58,258,099, plus strand): 5'-TATAGATATTTATTATGTTCCCCAGCATCTTAGCCTTTTACATACTTAAAAATAGAAACT[C>CTT]GTCGATAAGTATTAGGGCAATGATTAAATAAAACAGTGTACATAGAAACTACTTGAGGCT-3'